The following is an entry in ClinVar:

NM_006269.2(RP1):c.4675A>T (p.Met1559Leu)

Gene: RP1 (RP1 axonemal microtubule associated; plus strand). Cytogenetic location: 8q12.1.
Variant type: single nucleotide variant.
Coding change: c.4675A>T on transcript NM_006269.2 (MANE Select); coding-DNA position 4675, A replaced by T.
Protein change: p.Met1559Leu; replaces methionine 1559 with leucine.
Molecular consequence: missense variant. On other transcripts: intron variant (1).
Genome position (GRCh38, 1-based): chr8:54,628,557, A>T. VCF-style: chr8-54628557-A-T. GRCh37 (hg19) VCF-style: chr8-55541117-A-T.
Other names: c.787+6269A>T (NM_001375654.1); short protein forms M1559L.
Identifiers: ClinVar variation 3678098 (VCV003678098.2).

ClinVar aggregate classification (germline): Uncertain significance (1 of 4 stars; one submission).

Submission:

Labcorp Genetics (formerly Invitae), Labcorp
Classification: Uncertain significance. Last evaluated: 2024-04-14. Review status: criteria provided, single submitter. Criteria: Invitae Variant Classification Sherloc (09022015). Collection method: clinical testing. Allele origin: germline.
Comment: This sequence change replaces methionine, which is neutral and non-polar, with leucine, which is neutral and non-polar, at codon 1559 of the RP1 protein (p.Met1559Leu). This variant is present in population databases (rs773586761, gnomAD 0.002%). This variant has not been reported in the literature in individuals affected with RP1-related conditions. An algorithm developed to predict the effect of missense changes on protein structure and function (PolyPhen-2) suggests that this variant is likely to be tolerated. In summary, the available evidence is currently insufficient to determine the role of this variant in disease. Therefore, it has been classified as a Variant of Uncertain Significance.